The following is an entry in ClinVar:

ClinVar aggregate classification (germline): Likely pathogenic (1 of 4 stars; one submission).

Submission:

Laboratory Cellgenetics, GMDL Cellgenetics
Classification: Likely pathogenic. Last evaluated: 2023-04-02. Review status: criteria provided, single submitter. Criteria: ACMG Guidelines, 2015. Collection method: clinical testing. Allele origin: paternal. Inheritance: X-linked dominant inheritance. Affected: yes. Observed: 1 variant allele, 1 heterozygote.
Comment: PVS1, PM2

NM_016562.4(TLR7):c.2441del (p.Cys814fs)

Gene: TLR7 (toll like receptor 7; plus strand). Cytogenetic location: Xp22.2.
Variant type: Deletion.
Coding change: c.2441del on transcript NM_016562.4 (MANE Select); coding-DNA position 2441, one base deleted (G; older notation c.2441delG).
Protein change: p.Cys814fs; shifts the reading frame from cysteine 814.
Molecular consequence: frameshift variant.
Genome position (GRCh38, 1-based): chrX:12,887,949, G deleted. VCF-style (leftmost placement, unchanged base first): chrX-12887948-TG-T. GRCh37 (hg19) VCF-style: chrX-12906067-TG-T.
Other names: short protein forms C814fs.
Identifiers: ClinVar variation 4851333 (VCV004851333.1).